The following is an entry in ClinVar:

ClinVar aggregate classification (germline): Conflicting classifications of pathogenicity. Review status: criteria provided, conflicting classifications (1 of 4 stars). 4 submissions from 4 submitters: Likely pathogenic (1); Uncertain significance (3). Last evaluated 2026-06-22.

Conditions:
Cardiovascular phenotype. Identifiers: MedGen CN230736.
Hypertrophic cardiomyopathy. Also called: HYPERTROPHIC MYOCARDIOPATHY. Identifiers: Orphanet 217569, MedGen C0007194, MeSH D002312, MONDO:0005045, HP:0001639.

Submissions (4):

Ambry Genetics
Classification: Uncertain significance for Cardiovascular phenotype. Last evaluated: 2026-06-22. Review status: criteria provided, single submitter. Criteria: Ambry Variant Classification Scheme 2023. Collection method: clinical testing. Allele origin: germline.
Comment: The p.D137V variant (also known as c.410A>T), located in coding exon 4 of the TPM1 gene, results from an A to T substitution at nucleotide position 410. The aspartic acid at codon 137 is replaced by valine, an amino acid with highly dissimilar properties. This amino acid position is highly conserved in available vertebrate species. In addition, this alteration is predicted to be deleterious by in silico analysis. Based on the available evidence, the clinical significance of this variant remains unclear.

Women's Health and Genetics/Laboratory Corporation of America, LabCorp
Classification: Uncertain significance. Last evaluated: 2025-10-05. Review status: criteria provided, single submitter. Criteria: LabCorp Variant Classification Summary - May 2015. Collection method: clinical testing. Allele origin: germline.

Labcorp Genetics (formerly Invitae), Labcorp
Classification: Uncertain significance for Hypertrophic cardiomyopathy. Last evaluated: 2025-06-22. Review status: criteria provided, single submitter. Criteria: Invitae Variant Classification Sherloc (09022015). Collection method: clinical testing. Allele origin: germline.
Comment: This sequence change replaces aspartic acid, which is acidic and polar, with valine, which is neutral and non-polar, at codon 137 of the TPM1 protein (p.Asp137Val). This variant is not present in population databases (gnomAD no frequency). This variant has not been reported in the literature in individuals affected with TPM1-related conditions. ClinVar contains an entry for this variant (Variation ID: 181661). An algorithm developed to predict the effect of missense changes on protein structure and function (PolyPhen-2) suggests that this variant is likely to be disruptive. In summary, the available evidence is currently insufficient to determine the role of this variant in disease. Therefore, it has been classified as a Variant of Uncertain Significance.

GeneDx
Classification: Likely pathogenic. Last evaluated: 2013-01-04. Review status: criteria provided, single submitter. Criteria: GeneDx Variant Classification (06012015). Collection method: clinical testing. Allele origin: germline. Affected: yes.
Comment: The Asp137Val variant in the TPM1 gene has not been reported as a disease-causing mutation or as a benign polymorphism to our knowledge. Asp137Val results in a non-conservative amino acid substitution of a negatively-charged Aspartic Acid with a non-polar Valine at a position that is highly conserved across species. In silico analysis predicts Asp137Val is probably damaging to the protein structure/function. Furthermore, Asp137Val was absent from the 1000 Genomes database, and the NHLBI ESP Exome Variant Server reports Asp137Val was not observed in approximately 6500 samples from individuals of European and African American backgrounds, indicating it is not a common benign variant in these populations. However, data from ethnically-matched control individuals were not available to assess for a population-specific benign variant. In addition, there are no mutations reported near Asp137Val, indicating this region of the protein may be tolerant of change. In summary, Asp137Val is a good candidate for a disease-causing mutation. The variant is found in DCM panel(s).

NM_001018005.2(TPM1):c.410A>T (p.Asp137Val)

Gene: TPM1 (tropomyosin 1; plus strand). Cytogenetic location: 15q22.2.
Variant type: single nucleotide variant.
Coding change: c.410A>T on transcript NM_001018005.2 (MANE Select); coding-DNA position 410, A replaced by T.
Protein change: p.Asp137Val; replaces aspartic acid 137 with valine.
Molecular consequence: missense variant.
Genome position (GRCh38, 1-based): chr15:63,059,598, A>T. VCF-style: chr15-63059598-A-T. GRCh37 (hg19) VCF-style: chr15-63351797-A-T.
Other names: p.D137V:GAT>GTT; c.410A>T, p.Asp137Val (NM_000366.6, NM_001018004.2, NM_001018006.2 and 6 more transcripts); c.302A>T, p.Asp101Val (NM_001018008.2, NM_001301289.2, NM_001330344.2 and 5 more transcripts); c.536A>T, p.Asp179Val (NM_001365778.1); short protein forms D137V, D101V, D179V.
Identifiers: ClinVar variation 181661 (VCV000181661.8), dbSNP rs730881134, ClinGen allele CA018898.
Genomic context (GRCh38, chr15:63,059,598, plus strand): 5'-TTTTCTTGCTTGTCTTTCTTTTCAGAGGCATGAAAGTCATTGAGAGTCGAGCCCAAAAAG[A>T]TGAAGAAAAAATGGAAATTCAGGAGATCCAACTGAAAGAGGCCAAGCACATTGCTGAAGA-3'
Protein context (NP_001018005.1, residues 127-147): MKVIESRAQK[Asp137Val]EEKMEIQEIQ